The following is an entry in ClinVar:

ClinVar aggregate classification (germline): Uncertain significance. Review status: criteria provided, multiple submitters, no conflicts (2 of 4 stars). 2 submissions from 2 submitters: Uncertain significance (2). Last evaluated 2026-08-31.

Conditions:
TNRC6B-related disorder. Also called: TNRC6B-related condition.

Submissions (2):

PreventionGenetics, part of Exact Sciences
Classification: Uncertain significance for TNRC6B-related condition. Last evaluated: 2026-08-31. Review status: criteria provided, single submitter. Criteria: ACMG Guidelines, 2015. Collection method: clinical testing. Allele origin: germline.
Comment: The TNRC6B c.2212C>G variant is predicted to result in the amino acid substitution p.Pro738Ala. To our knowledge, this variant has not been reported in the literature or in a large population database (gnomAD), indicating this variant is rare. At this time, the clinical significance of this variant is uncertain due to the absence of conclusive functional and genetic evidence.

Institute for Clinical Genetics, University Hospital TU Dresden, University Hospital TU Dresden
Classification: Uncertain significance. Last evaluated: 2023-02-28. Review status: criteria provided, single submitter. Criteria: ACMG Guidelines, 2015. Collection method: clinical testing. Allele origin: germline.
Comment: PM2_SUP, BP4

NM_001162501.2(TNRC6B):c.2212C>G (p.Pro738Ala)

Gene: TNRC6B (trinucleotide repeat containing adaptor 6B; plus strand). Cytogenetic location: 22q13.1.
Variant type: single nucleotide variant.
Coding change: c.2212C>G on transcript NM_001162501.2 (MANE Select); coding-DNA position 2212, C replaced by G.
Protein change: p.Pro738Ala; replaces proline 738 with alanine.
Molecular consequence: missense variant. On other transcripts: intron variant (1).
Genome position (GRCh38, 1-based): chr22:40,266,442, C>G. VCF-style: chr22-40266442-C-G. GRCh37 (hg19) VCF-style: chr22-40662446-C-G.
Other names: c.2212C>G, p.Pro738Ala (NM_015088.3); c.566-3680C>G (NM_001024843.2); c.2212C>G (NM_001162501.1); short protein forms P738A.
Identifiers: ClinVar variation 2576091 (VCV002576091.2), dbSNP rs1022235130, ClinGen allele CA411634823.
Genomic context (GRCh38, chr22:40,266,442, plus strand): 5'-ACACCTTCCTCTTGGAATGAGAATCCCAGCAAGGATCAGGGGTGGGGAGGTGGACGCCAG[C>G]CCAATCAAGGATGGTCTTCTGGAAAGAATGGTTGGGGGGAGGAAGTCGATCAGACAAAAA-3'
Protein context (NP_001155973.1, residues 728-748): KDQGWGGGRQ[Pro738Ala]NQGWSSGKNG